The following is an entry in ClinVar:

ClinVar aggregate classification (germline): Uncertain significance (1 of 4 stars; one submission).

Conditions:
Cardiovascular phenotype. Identifiers: MedGen CN230736.

Submission:

Ambry Genetics
Classification: Uncertain significance for Cardiovascular phenotype. Last evaluated: 2026-07-24. Review status: criteria provided, single submitter. Criteria: Ambry Variant Classification Scheme 2023. Collection method: clinical testing. Allele origin: germline.
Comment: The p.G62E variant (also known as c.185G>A), located in coding exon 3 of the PRDM5 gene, results from a G to A substitution at nucleotide position 185. The glycine at codon 62 is replaced by glutamic acid, an amino acid with similar properties. This amino acid position is conserved. In addition, this alteration is predicted to be deleterious by in silico analysis. Based on the available evidence, the clinical significance of this variant remains unclear.

NM_018699.4(PRDM5):c.185G>A (p.Gly62Glu)

Gene: PRDM5 (PR/SET domain 5; minus strand). Cytogenetic location: 4q27.
Variant type: single nucleotide variant.
Coding change: c.185G>A on transcript NM_018699.4 (MANE Select); coding-DNA position 185, G replaced by A.
Protein change: p.Gly62Glu; replaces glycine 62 with glutamic acid.
Molecular consequence: missense variant.
Genome position (GRCh38, 1-based): chr4:120,853,533, C>T on the plus strand (G>A on the coding strand, the complement: PRDM5 is on the minus strand). VCF-style: chr4-120853533-C-T. GRCh37 (hg19) VCF-style: chr4-121774688-C-T.
Other names: c.185G>A, p.Gly62Glu (NM_001300823.2, NM_001300824.2, NM_001379104.1 and 1 more transcripts); short protein forms G62E.
Identifiers: ClinVar variation 5027265 (VCV005027265.1).